The following is an entry in ClinVar:

ClinVar aggregate classification (germline): Benign (1 of 4 stars; one submission).

Allele frequency attached by ClinVar (database versions not stated): 1000 Genomes Project 30x 0.99984; gnomAD 0.99995 and 0.99996; 1000 Genomes Project 1.00000.
gnomAD v4.1: 151,887 of 151,894 alleles (100%); highest among the groups gnomAD compares: Middle Eastern, 100%; 75,940 homozygotes.

Submission:

GeneDx
Classification: Benign. Last evaluated: 2018-06-14. Review status: criteria provided, single submitter. Criteria: GeneDx Variant Classification (06012015). Collection method: clinical testing. Allele origin: germline. Affected: yes.
Comment: This variant is considered likely benign or benign based on one or more of the following criteria: it is a conservative change, it occurs at a poorly conserved position in the protein, it is predicted to be benign by multiple in silico algorithms, and/or has population frequency not consistent with disease.

NM_032578.4(MYPN):c.3494-178C>T

Gene: MYPN (myopalladin; plus strand). Cytogenetic location: 10q21.3.
Variant type: single nucleotide variant.
Coding change: c.3494-178C>T on transcript NM_032578.4 (MANE Select); 178 bases into the intron before coding-DNA position 3494, C replaced by T.
Molecular consequence: intron variant.
Genome position (GRCh38, 1-based): chr10:68,201,651, C>T. VCF-style: chr10-68201651-C-T. GRCh37 (hg19) VCF-style: chr10-69961408-C-T.
Other names: c.3494-178C>T (NM_001256267.2); c.2612-178C>T (NM_001256268.2).
Identifiers: ClinVar variation 672876 (VCV000672876.1), dbSNP rs2490937, ClinGen allele CA208227795.